The following is an entry in ClinVar:

NM_181882.3(PRX):c.3453C>T (p.Ser1151=)

Gene: PRX (periaxin; minus strand). Cytogenetic location: 19q13.2.
Variant type: single nucleotide variant.
Coding change: c.3453C>T on transcript NM_181882.3 (MANE Select); coding-DNA position 3453, C replaced by T.
Protein change: p.Ser1151=; no amino-acid change (serine 1151 retained).
Molecular consequence: synonymous variant. On other transcripts: 3 prime UTR variant (1).
Genome position (GRCh38, 1-based): chr19:40,394,899, G>A on the plus strand (C>T on the coding strand, the complement: PRX is on the minus strand). VCF-style: chr19-40394899-G-A. GRCh37 (hg19) VCF-style: chr19-40900806-G-A.
Other names: c.3738C>T, p.Ser1246= (NM_001411127.1); c.*3658C>T (NM_020956.2).
Identifiers: ClinVar variation 1905733 (VCV001905733.6), dbSNP rs201535844, ClinGen allele CA9443853.

ClinVar aggregate classification (germline): Likely benign. Review status: criteria provided, multiple submitters, no conflicts (2 of 4 stars). 2 submissions from 2 submitters: Likely benign (2). Last evaluated 2024-11-19.

Conditions:
PRX-related disorder. Also called: PRX-Related Disorders; PRX-related condition.
Charcot-Marie-Tooth disease type 4. Also called: Charcot-Marie-Tooth disease, type IV; Charcot-Marie-Tooth, Type 4. Identifiers: Orphanet 64749, MedGen C4082197, MONDO:0018995.

Allele frequency attached by ClinVar (database versions not stated): gnomAD 0.00001; gnomAD exomes 0.00001; TOPMed 0.00001; ExAC 0.00002; 1000 Genomes Project 30x 0.00016; 1000 Genomes Project 0.00020.
gnomAD v4.1: 6 of 1,611,016 alleles (0.00037%); highest among the groups gnomAD compares: Admixed American, 0.0083%; no homozygotes.

Submissions (2):

PreventionGenetics, part of Exact Sciences
Classification: Likely benign for PRX-related condition. Last evaluated: 2024-11-19. Review status: criteria provided, single submitter. Criteria: ACMG Guidelines, 2015. Collection method: clinical testing. Allele origin: germline.
Comment: This variant is classified as likely benign based on ACMG/AMP sequence variant interpretation guidelines (Richards et al. 2015 PMID: 25741868, with internal and published modifications).

Labcorp Genetics (formerly Invitae), Labcorp
Classification: Likely benign for Charcot-Marie-Tooth disease type 4. Last evaluated: 2022-03-15. Review status: criteria provided, single submitter. Criteria: Invitae Variant Classification Sherloc (09022015). Collection method: clinical testing. Allele origin: germline.